The following is an entry in ClinVar:

NM_015450.3(POT1):c.1262C>A (p.Ser421Ter)

Gene: POT1 (protection of telomeres 1; minus strand). Cytogenetic location: 7q31.33.
Variant type: single nucleotide variant.
Coding change: c.1262C>A on transcript NM_015450.3 (MANE Select); coding-DNA position 1262, C replaced by A.
Protein change: p.Ser421Ter; replaces serine 421 with a stop codon.
Molecular consequence: nonsense. On other transcripts: non-coding transcript variant (3).
Genome position (GRCh38, 1-based): chr7:124,841,080, G>T on the plus strand (C>A on the coding strand, the complement: POT1 is on the minus strand). VCF-style: chr7-124841080-G-T. GRCh37 (hg19) VCF-style: chr7-124481134-G-T.
Other names: c.869C>A, p.Ser290Ter (NM_001042594.2); short protein forms S290*, S421*.
Identifiers: ClinVar variation 1042147 (VCV001042147.8), dbSNP rs1413163992, ClinGen allele CA369067320.

ClinVar aggregate classification (germline): Pathogenic. Review status: criteria provided, multiple submitters, no conflicts (2 of 4 stars). 2 submissions from 2 submitters: Pathogenic (2). Last evaluated 2024-08-21.

Conditions:
Tumor predisposition syndrome 3 (TPDS3). Also called: Melanoma, cutaneous malignant, susceptibility to, 10; Glioma susceptibility 9; LONG TELOMERE SYNDROME, POT1-RELATED; POT1 Tumor Predisposition. Identifiers: Orphanet 618, MedGen C4014476, MONDO:0014368, OMIM 615848.

Submissions (2):

Revvity Omics, Revvity
Classification: Pathogenic. Last evaluated: 2024-08-21. Review status: criteria provided, single submitter. Criteria: ACMG Guidelines, 2015. Collection method: clinical testing. Allele origin: germline.

Labcorp Genetics (formerly Invitae), Labcorp
Classification: Pathogenic for Tumor predisposition syndrome 3. Last evaluated: 2024-04-25. Review status: criteria provided, single submitter. Criteria: Invitae Variant Classification Sherloc (09022015). Collection method: clinical testing. Allele origin: germline.
Comment: This sequence change creates a premature translational stop signal (p.Ser421*) in the POT1 gene. It is expected to result in an absent or disrupted protein product. Loss-of-function variants in POT1 are known to be pathogenic (PMID: 32155570). This variant is not present in population databases (gnomAD no frequency). This variant has not been reported in the literature in individuals affected with POT1-related conditions. ClinVar contains an entry for this variant (Variation ID: 1042147). Algorithms developed to predict the effect of sequence changes on RNA splicing suggest that this variant may disrupt the consensus splice site. For these reasons, this variant has been classified as Pathogenic.

Literature cited by the submitters: PubMed 32155570 (cited by Labcorp Genetics (formerly Invitae), Labcorp).